The following is an entry in ClinVar:

ClinVar aggregate classification (germline): Likely benign (1 of 4 stars; one submission).

gnomAD v4.1: 8 of 1,612,902 alleles (0.0005%); highest among the groups gnomAD compares: East Asian, 0.011%; no homozygotes.

Submission:

Athena Diagnostics
Classification: Likely benign. Last evaluated: 2025-10-17. Review status: criteria provided, single submitter. Criteria: Athena Diagnostics Criteria. Collection method: clinical testing. Allele origin: unknown.
Comment: Computational tools yielded predictions that this variant is unlikely to have an effect on normal RNA splicing. This nucleotide position exhibits low evolutionary conservation.

NM_005529.7(HSPG2):c.8349G>T (p.Val2783=)

Gene: HSPG2 (heparan sulfate proteoglycan 2; minus strand). Cytogenetic location: 1p36.12.
Variant type: single nucleotide variant.
Coding change: c.8349G>T on transcript NM_005529.7 (MANE Select); coding-DNA position 8349, G replaced by T.
Protein change: p.Val2783=; no amino-acid change (valine 2783 retained).
Molecular consequence: synonymous variant.
Genome position (GRCh38, 1-based): chr1:21,846,223, C>A on the plus strand (G>T on the coding strand, the complement: HSPG2 is on the minus strand). VCF-style: chr1-21846223-C-A. GRCh37 (hg19) VCF-style: chr1-22172716-C-A.
Other names: c.8352G>T, p.Val2784= (NM_001291860.2).
Identifiers: ClinVar variation 4682416 (VCV004682416.1).